The following is an entry in ClinVar:

ClinVar aggregate classification (germline): Conflicting classifications of pathogenicity. Review status: criteria provided, conflicting classifications (1 of 4 stars). 3 submissions from 3 submitters: Uncertain significance (2); Likely benign (1). Last evaluated 2025-03-15.

Conditions:
Inborn genetic diseases. Identifiers: MedGen C0950123, MeSH D030342.
Heterotaxy, visceral, 5, autosomal (HTX5). Also called: Heterotaxy, visceral, 5. Identifiers: Orphanet 450, MedGen C3495537, MONDO:0700112, OMIM 270100.

Allele frequency attached by ClinVar (database versions not stated): ESP Exome Variant Server 0.00015; 1000 Genomes Project 30x 0.00016; gnomAD 0.00017; 1000 Genomes Project 0.00020; TOPMed 0.00026.

Submissions (3):

Ambry Genetics
Classification: Uncertain significance for Inborn genetic diseases. Last evaluated: 2025-03-15. Review status: criteria provided, single submitter. Criteria: Ambry Variant Classification Scheme 2023. Collection method: clinical testing. Allele origin: germline.

Labcorp Genetics (formerly Invitae), Labcorp
Classification: Uncertain significance for Heterotaxy, visceral, 5, autosomal. Last evaluated: 2024-03-20. Review status: criteria provided, single submitter. Criteria: Invitae Variant Classification Sherloc (09022015). Collection method: clinical testing. Allele origin: germline.
Comment: This sequence change replaces proline, which is neutral and non-polar, with serine, which is neutral and polar, at codon 119 of the NODAL protein (p.Pro119Ser). This variant is present in population databases (rs140876376, gnomAD 0.05%). This variant has not been reported in the literature in individuals affected with NODAL-related conditions. ClinVar contains an entry for this variant (Variation ID: 849234). Advanced modeling of protein sequence and biophysical properties (such as structural, functional, and spatial information, amino acid conservation, physicochemical variation, residue mobility, and thermodynamic stability) performed at Invitae indicates that this missense variant is not expected to disrupt NODAL protein function with a negative predictive value of 80%. In summary, the available evidence is currently insufficient to determine the role of this variant in disease. Therefore, it has been classified as a Variant of Uncertain Significance.

Blueprint Genetics
Classification: Likely benign. Last evaluated: 2021-04-26. Review status: criteria provided, single submitter. Criteria: ACMG Guidelines, 2015. Collection method: clinical testing. Allele origin: germline.

NM_018055.5(NODAL):c.355C>T (p.Pro119Ser)

Gene: NODAL (nodal growth differentiation factor; minus strand). Cytogenetic location: 10q22.1.
Variant type: single nucleotide variant.
Coding change: c.355C>T on transcript NM_018055.5 (MANE Select); coding-DNA position 355, C replaced by T.
Protein change: p.Pro119Ser; replaces proline 119 with serine.
Molecular consequence: missense variant. On other transcripts: 5 prime UTR variant (1).
Genome position (GRCh38, 1-based): chr10:70,435,822, G>A on the plus strand (C>T on the coding strand, the complement: NODAL is on the minus strand). VCF-style: chr10-70435822-G-A. GRCh37 (hg19) VCF-style: chr10-72195578-G-A.
Other names: c.-45C>T (NM_001329906.2); short protein forms P119S.
Identifiers: ClinVar variation 849234 (VCV000849234.12), dbSNP rs140876376, ClinGen allele CA5537616.